The following is an entry in ClinVar:

NM_018489.3(ASH1L):c.5481T>G (p.Asn1827Lys)

Gene: ASH1L (ASH1 like histone lysine methyltransferase; minus strand). Cytogenetic location: 1q22.
Variant type: single nucleotide variant.
Coding change: c.5481T>G on transcript NM_018489.3 (MANE Select); coding-DNA position 5481, T replaced by G.
Protein change: p.Asn1827Lys; replaces asparagine 1827 with lysine.
Molecular consequence: missense variant.
Genome position (GRCh38, 1-based): chr1:155,438,674, A>C on the plus strand (T>G on the coding strand, the complement: ASH1L is on the minus strand). VCF-style: chr1-155438674-A-C. GRCh37 (hg19) VCF-style: chr1-155408465-A-C.
Other names: c.5481T>G, p.Asn1827Lys (NM_001366177.2); short protein forms N1827K.
Identifiers: ClinVar variation 3234589 (VCV003234589.20), dbSNP rs1228889953, ClinGen allele CA342689817.
Genomic context (GRCh38, chr1:155,438,674, plus strand): 5'-TTTCACAAAGTTATTCCCTGTCCTGGCCTGCCTTTGAAGTTTTTTGGCTTTTAAGATTTT[A>C]TTGACATGGTCTAGGTTTTTCTTTGTGGCCAAGATTTTGTCGTAATTGCACATTTTCCGA-3'
Protein context (NP_060959.2, residues 1817-1837): LATKKNLDHV[Asn1827Lys]KILKAKKLQR

ClinVar aggregate classification (germline): Uncertain significance (1 of 4 stars; one submission).

Allele frequency attached by ClinVar (database versions not stated): gnomAD exomes below 0.00001.
gnomAD v4.1: 3 of 1,614,136 alleles (0.00019%); highest among the groups gnomAD compares: Non-Finnish European, 0.00025%; no homozygotes.

Submission:

CeGaT Center for Human Genetics Tuebingen
Classification: Uncertain significance. Last evaluated: 2024-04-01. Review status: criteria provided, single submitter. Criteria: CeGaT Center For Human Genetics Tuebingen Variant Classification Criteria Version 2. Collection method: clinical testing. Allele origin: germline. Affected: yes. Observed: 1 variant allele.
Comment: ASH1L: PM2, PP3